The following is an entry in ClinVar:

ClinVar aggregate classification (germline): Benign. Review status: criteria provided, single submitter (1 of 4 stars). 3 submissions from 3 submitters: Benign (1). 2 of the submissions do not count toward it. Last evaluated 2026-01-27.

Conditions:
Hereditary hyperinsulinism.
ABCC8-related disorder.

Allele frequency attached by ClinVar (database versions not stated): gnomAD 0.00001 and 0.00005; gnomAD exomes 0.00007 and 0.00018; ExAC 0.00025.
gnomAD v4.1: 111 of 1,614,126 alleles (0.0069%); highest among the groups gnomAD compares: South Asian, 0.082%; 2 homozygotes.

Submissions (3):

Labcorp Genetics (formerly Invitae), Labcorp
Classification: Benign. Last evaluated: 2026-01-27. Review status: criteria provided, single submitter. Criteria: Invitae Variant Classification Sherloc (09022015). Collection method: clinical testing. Allele origin: germline.

PreventionGenetics, part of Exact Sciences
Classification: Likely benign for ABCC8-related condition. Last evaluated: 2022-05-26. Review status: no assertion criteria provided. Collection method: clinical testing. Allele origin: germline. Not counted in ClinVar's aggregate classification.
Comment: This variant is classified as likely benign based on ACMG/AMP sequence variant interpretation guidelines (Richards et al. 2015 PMID: 25741868, with internal and published modifications).

Natera, Inc.
Classification: Likely benign for Hereditary hyperinsulinism. Last evaluated: 2021-10-19. Review status: no assertion criteria provided. Collection method: clinical testing. Allele origin: germline. Not counted in ClinVar's aggregate classification.

NM_000352.6(ABCC8):c.3393C>T (p.Ile1131=)

Gene: ABCC8 (ATP binding cassette subfamily C member 8; minus strand). Cytogenetic location: 11p15.1.
Variant type: single nucleotide variant.
Coding change: c.3393C>T on transcript NM_000352.6 (MANE Select); coding-DNA position 3393, C replaced by T.
Protein change: p.Ile1131=; no amino-acid change (isoleucine 1131 retained).
Molecular consequence: synonymous variant. On other transcripts: non-coding transcript variant (1).
Genome position (GRCh38, 1-based): chr11:17,405,500, G>A on the plus strand (C>T on the coding strand, the complement: ABCC8 is on the minus strand). VCF-style: chr11-17405500-G-A. GRCh37 (hg19) VCF-style: chr11-17427047-G-A.
Other names: c.3396C>T, p.Ile1132= (NM_001287174.3); c.3393C>T (NM_000352.4); c.3459C>T, p.Ile1153= (NM_001351295.2); c.3393C>T, p.Ile1131= (NM_001351296.2); c.3390C>T, p.Ile1130= (NM_001351297.2).
Identifiers: ClinVar variation 1166162 (VCV001166162.12), dbSNP rs776975807, ClinGen allele CA5902841.